The following is an entry in ClinVar:

ClinVar aggregate classification (germline): Uncertain significance (1 of 4 stars; one submission).

Submission:

Labcorp Genetics (formerly Invitae), Labcorp
Classification: Uncertain significance. Last evaluated: 2022-06-10. Review status: criteria provided, single submitter. Criteria: Invitae Variant Classification Sherloc (09022015). Collection method: clinical testing. Allele origin: germline.
Comment: This variant has not been reported in the literature in individuals affected with EIF2AK1-related conditions. In summary, the available evidence is currently insufficient to determine the role of this variant in disease. Therefore, it has been classified as a Variant of Uncertain Significance. Algorithms developed to predict the effect of sequence changes on RNA splicing suggest that this variant may disrupt the consensus splice site. This variant is not present in population databases (gnomAD no frequency). This sequence change affects codon 108 of the EIF2AK1 mRNA. It is a 'silent' change, meaning that it does not change the encoded amino acid sequence of the EIF2AK1 protein.

NM_014413.4(EIF2AK1):c.324T>G (p.Thr108=)

Gene: EIF2AK1 (eukaryotic translation initiation factor 2 alpha kinase 1; minus strand). Cytogenetic location: 7p22.1.
Variant type: single nucleotide variant.
Coding change: c.324T>G on transcript NM_014413.4 (MANE Select); coding-DNA position 324, T replaced by G.
Protein change: p.Thr108=; no amino-acid change (threonine 108 retained).
Molecular consequence: synonymous variant.
Genome position (GRCh38, 1-based): chr7:6,049,999, A>C on the plus strand (T>G on the coding strand, the complement: EIF2AK1 is on the minus strand). VCF-style: chr7-6049999-A-C. GRCh37 (hg19) VCF-style: chr7-6089630-A-C.
Other names: c.324T>G, p.Thr108= (NM_001134335.2).
Identifiers: ClinVar variation 2134910 (VCV002134910.4), dbSNP rs2536921922, ClinGen allele CA453645644.